The following is an entry in ClinVar:

NM_000528.4(MAN2B1):c.1528-1G>T

Gene: MAN2B1 (mannosidase alpha class 2B member 1; minus strand). Cytogenetic location: 19p13.13.
Variant type: single nucleotide variant.
Coding change: c.1528-1G>T on transcript NM_000528.4 (MANE Select); the canonical splice acceptor site of the intron before coding-DNA position 1528, G replaced by T.
Molecular consequence: splice acceptor variant.
Genome position (GRCh38, 1-based): chr19:12,656,688, C>A on the plus strand (G>T on the coding strand, the complement: MAN2B1 is on the minus strand). VCF-style: chr19-12656688-C-A. GRCh37 (hg19) VCF-style: chr19-12767502-C-A.
Other names: c.1525-1G>T (NM_001173498.2).
Identifiers: ClinVar variation 371368 (VCV000371368.11), dbSNP rs561991886, ClinGen allele CA16041950.

ClinVar aggregate classification (germline): Likely pathogenic. Review status: criteria provided, multiple submitters, no conflicts (2 of 4 stars). 3 submissions from 3 submitters: Likely pathogenic (2). 1 of the submissions does not count toward it. Last evaluated 2024-06-12.

Conditions:
Deficiency of alpha-mannosidase (MANSA). Also called: Alpha-Mannosidosis; Mannosidosis, alpha-, types I and II; LYSOSOMAL ALPHA-D-MANNOSIDASE DEFICIENCY. Identifiers: Orphanet 61, MedGen C0024748, MONDO:0009561, OMIM 248500.

Submissions (3):

Labcorp Genetics (formerly Invitae), Labcorp
Classification: Likely pathogenic for Deficiency of alpha-mannosidase. Last evaluated: 2024-06-12. Review status: criteria provided, single submitter. Criteria: Invitae Variant Classification Sherloc (09022015). Collection method: clinical testing. Allele origin: germline.
Comment: This sequence change affects an acceptor splice site in intron 12 of the MAN2B1 gene. It is expected to disrupt RNA splicing. Variants that disrupt the donor or acceptor splice site typically lead to a loss of protein function (PMID: 16199547), and loss-of-function variants in MAN2B1 are known to be pathogenic (PMID: 9915946, 22161967). This variant is not present in population databases (gnomAD no frequency). This variant has not been reported in the literature in individuals affected with MAN2B1-related conditions. ClinVar contains an entry for this variant (Variation ID: 371368). Algorithms developed to predict the effect of sequence changes on RNA splicing suggest that this variant may disrupt the consensus splice site. In summary, the currently available evidence indicates that the variant is pathogenic, but additional data are needed to prove that conclusively. Therefore, this variant has been classified as Likely Pathogenic.

Baylor Genetics
Classification: Likely pathogenic for Deficiency of alpha-mannosidase. Last evaluated: 2024-02-09. Review status: criteria provided, single submitter. Criteria: ACMG Guidelines, 2015. Collection method: clinical testing. Allele origin: unknown.

Counsyl
Classification: Likely pathogenic for Deficiency of alpha-mannosidase. Last evaluated: 2016-09-07. Review status: no assertion criteria provided. Collection method: clinical testing. Allele origin: unknown. Not counted in ClinVar's aggregate classification.

Literature cited by the submitters: PubMed 16199547 (cited by Labcorp Genetics (formerly Invitae), Labcorp); PubMed 9915946 (cited by Labcorp Genetics (formerly Invitae), Labcorp); PubMed 22161967 (cited by Labcorp Genetics (formerly Invitae), Labcorp).